The following is an entry in ClinVar:

NM_001145358.2(SIN3A):c.2348A>G (p.Asp783Gly)

Gene: SIN3A (SIN3 transcription regulator family member A; minus strand). Cytogenetic location: 15q24.2.
Variant type: single nucleotide variant.
Coding change: c.2348A>G on transcript NM_001145358.2 (MANE Select); coding-DNA position 2348, A replaced by G.
Protein change: p.Asp783Gly; replaces aspartic acid 783 with glycine.
Molecular consequence: missense variant.
Genome position (GRCh38, 1-based): chr15:75,392,745, T>C on the plus strand (A>G on the coding strand, the complement: SIN3A is on the minus strand). VCF-style: chr15-75392745-T-C. GRCh37 (hg19) VCF-style: chr15-75685086-T-C.
Other names: c.2348A>G, p.Asp783Gly (NM_001145357.2, NM_001437462.1, NM_001437463.1 and 1 more transcripts); short protein forms D783G.
Identifiers: ClinVar variation 4831378 (VCV004831378.1).
Genomic context (GRCh38, chr15:75,392,745, plus strand): 5'-CCTGTCTGCCTCTTCACATGGTGGATAATCAGAGCAGCAGCATCTTCCAGTATTTGTTTG[T>C]CTTCATACGCAAGTGAGAGGTGTGGGCCAACAGGTACACCAGCATTCTCCTCCGTAGCCT-3'
Protein context (NP_001138830.1, residues 773-793): VGPHLSLAYE[Asp783Gly]KQILEDAAAL

ClinVar aggregate classification (germline): Uncertain significance (1 of 4 stars; one submission).

Conditions:
Inborn genetic diseases. Identifiers: MedGen C0950123, MeSH D030342.

gnomAD v4.1: 5 of 1,614,188 alleles (0.00031%); highest among the groups gnomAD compares: Admixed American, 0.0017%; no homozygotes.

Submission:

Ambry Genetics
Classification: Uncertain significance for Inborn genetic diseases. Last evaluated: 2026-02-24. Review status: criteria provided, single submitter. Criteria: Ambry Variant Classification Scheme 2023. Collection method: clinical testing. Allele origin: germline.
Comment: The c.2348A>G (p.D783G) alteration is located in exon 15 (coding exon 14) of the SIN3A gene. This alteration results from a A to G substitution at nucleotide position 2348, causing the aspartic acid (D) at amino acid position 783 to be replaced by a glycine (G). Based on data from gnomAD, the G allele has an overall frequency of <0.001% (1/251250) total alleles studied. The highest observed frequency was <0.001% (/) of alleles. Based on insufficient or conflicting evidence, the clinical significance of this alteration remains unclear.